The following is an entry in ClinVar:

ClinVar aggregate classification (germline): Uncertain significance (0 of 4 stars; one submission).

Conditions:
EP300-related disorder. Also called: EP300-related condition; EP300-related disorders.

Submission:

PreventionGenetics, part of Exact Sciences
Classification: Uncertain significance for EP300-related condition. Last evaluated: 2024-08-27. Review status: no assertion criteria provided. Collection method: clinical testing. Allele origin: germline.
Comment: The EP300 c.1142A>C variant is predicted to result in the amino acid substitution p.His381Pro. To our knowledge, this variant has not been reported in the literature or in a large population database, indicating this variant is rare. At this time, the clinical significance of this variant is uncertain due to the absence of conclusive functional and genetic evidence.

NM_001429.4(EP300):c.1142A>C (p.His381Pro)

Gene: EP300 (E1A binding protein p300; plus strand). Cytogenetic location: 22q13.2.
Variant type: single nucleotide variant.
Coding change: c.1142A>C on transcript NM_001429.4 (MANE Select); coding-DNA position 1142, A replaced by C.
Protein change: p.His381Pro; replaces histidine 381 with proline.
Molecular consequence: missense variant.
Genome position (GRCh38, 1-based): chr22:41,127,722, A>C. VCF-style: chr22-41127722-A-C. GRCh37 (hg19) VCF-style: chr22-41523726-A-C.
Other names: c.1142A>C, p.His381Pro (NM_001362843.2); short protein forms H381P.
Identifiers: ClinVar variation 3349678 (VCV003349678.1).